The following is an entry in ClinVar:

NM_005739.4(RASGRP1):c.530G>A (p.Arg177His)

Gene: RASGRP1 (RAS guanyl releasing protein 1; minus strand). Cytogenetic location: 15q14.
Variant type: single nucleotide variant.
Coding change: c.530G>A on transcript NM_005739.4 (MANE Select); coding-DNA position 530, G replaced by A.
Protein change: p.Arg177His; replaces arginine 177 with histidine.
Molecular consequence: missense variant.
Genome position (GRCh38, 1-based): chr15:38,516,342, C>T on the plus strand (G>A on the coding strand, the complement: RASGRP1 is on the minus strand). VCF-style: chr15-38516342-C-T. GRCh37 (hg19) VCF-style: chr15-38808543-C-T.
Other names: c.530G>A (NM_005739.3); c.530G>A, p.Arg177His (NM_001128602.2, NM_001306086.2); short protein forms R177H.
Identifiers: ClinVar variation 1024194 (VCV001024194.14), dbSNP rs201247088, ClinGen allele CA7471079.

ClinVar aggregate classification (germline): Uncertain significance. Review status: criteria provided, multiple submitters, no conflicts (2 of 4 stars). 4 submissions from 4 submitters: Uncertain significance (4). Last evaluated 2025-03-01.

Allele frequency attached by ClinVar (database versions not stated): gnomAD 0.00010 and 0.00013; gnomAD exomes 0.00014 and 0.00023; TOPMed 0.00017; ESP Exome Variant Server 0.00042.
gnomAD v4.1: 342 of 1,610,654 alleles (0.021%); highest among the groups gnomAD compares: Non-Finnish European, 0.028%; no homozygotes.

Submissions (4):

CeGaT Center for Human Genetics Tuebingen
Classification: Uncertain significance. Last evaluated: 2025-03-01. Review status: criteria provided, single submitter. Criteria: CeGaT Center For Human Genetics Tuebingen Variant Classification Criteria Version 2. Collection method: clinical testing. Allele origin: germline. Affected: yes. Observed: 1 variant allele.
Comment: RASGRP1: PM2

Ambry Genetics
Classification: Uncertain significance. Last evaluated: 2025-01-21. Review status: criteria provided, single submitter. Criteria: Ambry Variant Classification Scheme 2023. Collection method: clinical testing. Allele origin: germline.

Blueprint Genetics
Classification: Uncertain significance. Last evaluated: 2024-10-21. Review status: criteria provided, single submitter. Criteria: ACMG Guidelines, 2015. Collection method: clinical testing. Allele origin: germline.

Labcorp Genetics (formerly Invitae), Labcorp
Classification: Uncertain significance. Last evaluated: 2023-12-28. Review status: criteria provided, single submitter. Criteria: Invitae Variant Classification Sherloc (09022015). Collection method: clinical testing. Allele origin: germline.
Comment: This sequence change replaces arginine, which is basic and polar, with histidine, which is basic and polar, at codon 177 of the RASGRP1 protein (p.Arg177His). This variant is present in population databases (rs201247088, gnomAD 0.03%). This variant has not been reported in the literature in individuals affected with RASGRP1-related conditions. ClinVar contains an entry for this variant (Variation ID: 1024194). Advanced modeling of protein sequence and biophysical properties (such as structural, functional, and spatial information, amino acid conservation, physicochemical variation, residue mobility, and thermodynamic stability) performed at Invitae indicates that this missense variant is not expected to disrupt RASGRP1 protein function with a negative predictive value of 80%. In summary, the available evidence is currently insufficient to determine the role of this variant in disease. Therefore, it has been classified as a Variant of Uncertain Significance.